The following is an entry in ClinVar:

ClinVar aggregate classification (germline): Uncertain significance. Review status: criteria provided, multiple submitters, no conflicts (2 of 4 stars). 3 submissions from 3 submitters: Uncertain significance (3). Last evaluated 2026-02-24.

Conditions:
Neurodevelopmental disorder with brain anomalies and with or without vertebral or cardiac anomalies. Identifiers: MedGen C5231481, MONDO:0032888, OMIM 618731.
Inborn genetic diseases. Identifiers: MedGen C0950123, MeSH D030342.

Allele frequency attached by ClinVar (database versions not stated): gnomAD exomes 0.00001 and 0.00002; ExAC 0.00004; gnomAD 0.00005; TOPMed 0.00008; 1000 Genomes Project 30x 0.00016; 1000 Genomes Project 0.00020; ESP Exome Variant Server 0.00023.
gnomAD v4.1: 17 of 1,613,452 alleles (0.0011%); highest among the groups gnomAD compares: African/African-American, 0.017%; no homozygotes.

Submissions (3):

GeneDx
Classification: Uncertain significance. Last evaluated: 2026-02-24. Review status: criteria provided, single submitter. Criteria: GeneDx Variant Classification Process June 2021. Collection method: clinical testing. Allele origin: germline.
Comment: In silico analysis supports that this missense variant has a deleterious effect on protein structure/function; Has not been previously published as pathogenic or benign to our knowledge

Ambry Genetics
Classification: Uncertain significance for Inborn genetic diseases. Last evaluated: 2024-01-12. Review status: criteria provided, single submitter. Criteria: Ambry Variant Classification Scheme 2023. Collection method: clinical testing. Allele origin: germline.

New York Genome Center
Classification: Uncertain significance for Neurodevelopmental disorder with brain anomalies and with or without vertebral or cardiac anomalies. Last evaluated: 2021-04-16. Review status: criteria provided, single submitter. Criteria: NYGC Assertion Criteria 2020. Collection method: clinical testing. Allele origin: germline. Observed: 1 variant allele. Study: CSER-NYCKidSeq.

NM_032656.4(DHX37):c.1706T>A (p.Leu569Gln)

Gene: DHX37 (DEAH-box helicase 37; minus strand). Cytogenetic location: 12q24.31.
Variant type: single nucleotide variant.
Coding change: c.1706T>A on transcript NM_032656.4 (MANE Select); coding-DNA position 1706, T replaced by A.
Protein change: p.Leu569Gln; replaces leucine 569 with glutamine.
Molecular consequence: missense variant.
Genome position (GRCh38, 1-based): chr12:124,965,697, A>T on the plus strand (T>A on the coding strand, the complement: DHX37 is on the minus strand). VCF-style: chr12-124965697-A-T. GRCh37 (hg19) VCF-style: chr12-125450243-A-T.
Other names: c.1706T>A (NM_032656.3); short protein forms L569Q.
Identifiers: ClinVar variation 1679789 (VCV001679789.3), dbSNP rs373991457, ClinGen allele CA6871912.